The following is an entry in ClinVar:

NM_025152.3(NUBPL):c.422+13A>G

Gene: NUBPL (NUBP iron-sulfur cluster assembly factor, mitochondrial; plus strand). Cytogenetic location: 14q12.
Variant type: single nucleotide variant.
Coding change: c.422+13A>G on transcript NM_025152.3 (MANE Select); 13 bases into the intron after coding-DNA position 422, A replaced by G.
Molecular consequence: intron variant.
Genome position (GRCh38, 1-based): chr14:31,673,407, A>G. VCF-style: chr14-31673407-A-G. GRCh37 (hg19) VCF-style: chr14-32142613-A-G.
Other names: c.134+13A>G (NM_001201573.2).
Identifiers: ClinVar variation 391437 (VCV000391437.8), dbSNP rs1057524083, ClinGen allele CA16606853.

ClinVar aggregate classification (germline): Likely benign. Review status: criteria provided, multiple submitters, no conflicts (2 of 4 stars). 2 submissions from 2 submitters: Likely benign (2). Last evaluated 2023-12-11.

Allele frequency attached by ClinVar (database versions not stated): gnomAD exomes 0.00001; TOPMed 0.00001.
gnomAD v4.1: 5 of 1,607,726 alleles (0.00031%); highest among the groups gnomAD compares: Non-Finnish European, 0.00043%; no homozygotes.

Submissions (2):

Labcorp Genetics (formerly Invitae), Labcorp
Classification: Likely benign. Last evaluated: 2023-12-11. Review status: criteria provided, single submitter. Criteria: Invitae Variant Classification Sherloc (09022015). Collection method: clinical testing. Allele origin: germline.

GeneDx
Classification: Likely benign. Last evaluated: 2016-12-14. Review status: criteria provided, single submitter. Criteria: GeneDx Variant Classification (06012015). Collection method: clinical testing. Allele origin: germline. Affected: yes.
Comment: This variant is considered likely benign or benign based on one or more of the following criteria: it is a conservative change, it occurs at a poorly conserved position in the protein, it is predicted to be benign by multiple in silico algorithms, and/or has population frequency not consistent with disease.